The following is an entry in ClinVar:

ClinVar aggregate classification (germline): Likely benign. Review status: criteria provided, multiple submitters, no conflicts (2 of 4 stars). 4 submissions from 4 submitters: Likely benign (4). Last evaluated 2025-11-12.

Conditions:
Catecholaminergic polymorphic ventricular tachycardia (CVPT). Also called: Catecholamine-induced polymorphic ventricular tachycardia. Identifiers: Orphanet 3286, MedGen C5574922, MONDO:0017990.
Cardiomyopathy (CMYO). Also called: Cardiomyopathies. Identifiers: Orphanet 167848, MedGen C0878544, MONDO:0004994, HP:0001638. Inheritance: Various modes of inheritance.
Catecholaminergic polymorphic ventricular tachycardia 1. Also called: VENTRICULAR TACHYCARDIA, CATECHOLAMINERGIC POLYMORPHIC, 1, WITH OR WITHOUT ATRIAL DYSFUNCTION AND/OR DILATED CARDIOMYOPATHY; RYR2-Related Catecholaminergic Polymorphic Ventricular Tachycardia; VENTRICULAR TACHYCARDIA, STRESS-INDUCED POLYMORPHIC 1. Identifiers: Orphanet 3286, MedGen C1631597, MONDO:0011484, OMIM 604772.
Cardiovascular phenotype. Identifiers: MedGen CN230736.

Allele frequency attached by ClinVar (database versions not stated): ExAC 0.00001; gnomAD 0.00005 and 0.00006; gnomAD exomes below 0.00001; TOPMed 0.00009.
gnomAD v4.1: 10 of 1,611,532 alleles (0.00062%); highest among the groups gnomAD compares: African/African-American, 0.013%; no homozygotes.

Submissions (4):

Labcorp Genetics (formerly Invitae), Labcorp
Classification: Likely benign for Catecholaminergic polymorphic ventricular tachycardia 1. Last evaluated: 2025-11-12. Review status: criteria provided, single submitter. Criteria: Invitae Variant Classification Sherloc (09022015). Collection method: clinical testing. Allele origin: germline.

All of Us Research Program, National Institutes of Health
Classification: Likely benign for Catecholaminergic polymorphic ventricular tachycardia. Last evaluated: 2023-11-20. Review status: criteria provided, single submitter. Criteria: ACMG Guidelines, 2015. Collection method: clinical testing. Allele origin: germline. Inheritance: Autosomal dominant inheritance. Observed: 2 variant alleles, 2 heterozygotes.
Comment: This study involves interpretation of variants in research participants for the purpose of population health screening. Participant phenotype was not available at the time of variant classification. Additional details can be found in publication PMID: 35346344, PMCID: PMC8962531

Color Diagnostics, LLC DBA Color Health
Classification: Likely benign for Cardiomyopathy. Last evaluated: 2022-11-06. Review status: criteria provided, single submitter. Criteria: ACMG Guidelines, 2015. Collection method: clinical testing. Allele origin: germline.

Ambry Genetics
Classification: Likely benign for Cardiovascular phenotype. Last evaluated: 2020-12-13. Review status: criteria provided, single submitter. Criteria: Ambry Variant Classification Scheme 2023. Collection method: clinical testing. Allele origin: germline.

NM_001035.3(RYR2):c.4143C>T (p.Pro1381=)

Genes: RYR2 (ryanodine receptor 2; plus strand), LOC126806067 (BRD4-independent group 4 enhancer GRCh37_chr1:237753258-237754457; plus strand). Cytogenetic location: 1q43.
Variant type: single nucleotide variant.
Coding change: c.4143C>T on transcript NM_001035.3 (MANE Select); coding-DNA position 4143, C replaced by T.
Protein change: p.Pro1381=; no amino-acid change (proline 1381 retained).
Molecular consequence: synonymous variant.
Genome position (GRCh38, 1-based): chr1:237,590,975, C>T. VCF-style: chr1-237590975-C-T. GRCh37 (hg19) VCF-style: chr1-237754275-C-T.
Other names: c.4143C>T, p.Pro1381= (LRG_402t1).
Identifiers: ClinVar variation 532411 (VCV000532411.14), dbSNP rs762991553, ClinGen allele CA086537.
Genomic context (GRCh38, chr1:237,590,975, plus strand): 5'-AGACAAAGAAGCTACTAAACCAGAGTTTAACAACCACAAAGATTATGCCCAGGAAAAGCC[C>T]TCTCGTCTGAAACAAAGGTTACTAATTTATACGCTGTGATTTTAAATTTGTAGTTATGTG-3'
Protein context (NP_001026.2, residues 1371-1391): NNHKDYAQEK[Pro1381=]SRLKQRFLLR